The following is an entry in ClinVar:

ClinVar aggregate classification (germline): Pathogenic (1 of 4 stars; one submission).

Submission:

Labcorp Genetics (formerly Invitae), Labcorp
Classification: Pathogenic. Last evaluated: 2022-07-19. Review status: criteria provided, single submitter. Criteria: Invitae Variant Classification Sherloc (09022015). Collection method: clinical testing. Allele origin: germline.
Comment: ClinVar contains an entry for this variant (Variation ID: 1069930). This variant has not been reported in the literature in individuals affected with ADGRV1-related conditions. This variant is not present in population databases (gnomAD no frequency). This sequence change creates a premature translational stop signal (p.Phe2479Serfs*8) in the ADGRV1 gene. It is expected to result in an absent or disrupted protein product. Loss-of-function variants in ADGRV1 are known to be pathogenic (PMID: 19357117, 22135276, 22147658, 26226137, 30718709, 31047384, 32467589). For these reasons, this variant has been classified as Pathogenic.

Literature cited by the submitters: PubMed 19357117; PubMed 22135276; PubMed 22147658; PubMed 26226137; PubMed 30718709; PubMed 31047384; PubMed 32467589.

NM_032119.4(ADGRV1):c.7434del (p.Phe2479fs)

Gene: ADGRV1 (adhesion G protein-coupled receptor V1; plus strand). Cytogenetic location: 5q14.3.
Variant type: Deletion.
Coding change: c.7434del on transcript NM_032119.4 (MANE Select); coding-DNA position 7434, one base deleted (C; older notation c.7434delC).
Protein change: p.Phe2479fs; shifts the reading frame from phenylalanine 2479.
Molecular consequence: frameshift variant. On other transcripts: non-coding transcript variant (1).
Genome position (GRCh38, 1-based): chr5:90,694,190, C deleted. VCF-style (leftmost placement, unchanged base first): chr5-90694189-AC-A. GRCh37 (hg19) VCF-style: chr5-89990006-AC-A.
Other names: short protein forms F2479fs.
Identifiers: ClinVar variation 1069930 (VCV001069930.7), dbSNP rs2149640827, ClinGen allele CA2499217997.
Genomic context (GRCh38, chr5:90,694,189, plus strand): 5'-CTGAGGGTCCCCAGTGTTTCTGGATGACATCATGGATCAGCCCAGCTGTCAACAATTCAG[AC>A]TTCTGGACCTACAGGAAAAACATGACCAGGGTAGCATCTCTTTTTAGTGGTCAGGCTGTG-3'